The following is an entry in ClinVar:

ClinVar aggregate classification (germline): Uncertain significance (1 of 4 stars; one submission).

Allele frequency attached by ClinVar (database versions not stated): ExAC 0.00003; gnomAD 0.00001; TOPMed 0.00002.
gnomAD v4.1: 21 of 1,613,316 alleles (0.0013%); highest among the groups gnomAD compares: Admixed American, 0.01%; no homozygotes.

Submission:

Labcorp Genetics (formerly Invitae), Labcorp
Classification: Uncertain significance. Last evaluated: 2022-08-03. Review status: criteria provided, single submitter. Criteria: Invitae Variant Classification Sherloc (09022015). Collection method: clinical testing. Allele origin: germline.
Comment: This sequence change replaces arginine, which is basic and polar, with histidine, which is basic and polar, at codon 2152 of the MYO18B protein (p.Arg2152His). This variant is present in population databases (rs747093123, gnomAD 0.007%). This variant has not been reported in the literature in individuals affected with MYO18B-related conditions. ClinVar contains an entry for this variant (Variation ID: 1361971). Algorithms developed to predict the effect of missense changes on protein structure and function output the following: SIFT: "Not Available"; PolyPhen-2: "Benign"; Align-GVGD: "Not Available". The histidine amino acid residue is found in multiple mammalian species, which suggests that this missense change does not adversely affect protein function. In summary, the available evidence is currently insufficient to determine the role of this variant in disease. Therefore, it has been classified as a Variant of Uncertain Significance.

NM_032608.7(MYO18B):c.6455G>A (p.Arg2152His)

Gene: MYO18B (myosin XVIIIB; plus strand). Cytogenetic location: 22q12.1.
Variant type: single nucleotide variant.
Coding change: c.6455G>A on transcript NM_032608.7 (MANE Select); coding-DNA position 6455, G replaced by A.
Protein change: p.Arg2152His; replaces arginine 2152 with histidine.
Molecular consequence: missense variant.
Genome position (GRCh38, 1-based): chr22:26,004,840, G>A. VCF-style: chr22-26004840-G-A. GRCh37 (hg19) VCF-style: chr22-26400806-G-A.
Other names: c.6458G>A, p.Arg2153His (NM_001318245.2); short protein forms R2152H, R2153H.
Identifiers: ClinVar variation 1361971 (VCV001361971.3), dbSNP rs747093123, ClinGen allele CA10161523.